The following is an entry in ClinVar:

NM_012295.4(CABIN1):c.1400-7C>T

Gene: CABIN1 (calcineurin binding protein 1; plus strand). Cytogenetic location: 22q11.23.
Variant type: single nucleotide variant.
Coding change: c.1400-7C>T on transcript NM_012295.4 (MANE Select); 7 bases into the intron before coding-DNA position 1400, C replaced by T.
Molecular consequence: intron variant.
Genome position (GRCh38, 1-based): chr22:24,059,917, C>T. VCF-style: chr22-24059917-C-T. GRCh37 (hg19) VCF-style: chr22-24456380-C-T.
Other names: c.1250-7C>T (NM_001201429.2); c.1400-7C>T (NM_001199281.1).
Identifiers: ClinVar variation 4981864 (VCV004981864.1).

ClinVar aggregate classification (germline): Likely benign (1 of 4 stars; one submission).

Conditions:
CABIN1-related disorder. Also called: CABIN1-related condition.

gnomAD v4.1: 82 of 1,613,700 alleles (0.0051%); highest among the groups gnomAD compares: African/African-American, 0.027%; no homozygotes.

Submission:

PreventionGenetics, part of Exact Sciences
Classification: Likely benign for CABIN1-related condition. Last evaluated: 2025-04-02. Review status: criteria provided, single submitter. Criteria: ACMG Guidelines, 2015. Collection method: clinical testing. Allele origin: germline.
Comment: This variant is classified as likely benign based on ACMG/AMP sequence variant interpretation guidelines (Richards et al. 2015 PMID: 25741868, with internal and published modifications).